The following is an entry in ClinVar:

ClinVar aggregate classification (germline): Uncertain significance (1 of 4 stars; one submission).

Conditions:
RYR1-related disorder. Also called: RYR1-related condition; RYR1-related disorders. Identifiers: MedGen CN239331.

Allele frequency attached by ClinVar (database versions not stated): TOPMed below 0.00001; gnomAD 0.00001; gnomAD exomes 0.00001.

Submission:

Labcorp Genetics (formerly Invitae), Labcorp
Classification: Uncertain significance for RYR1-related disorder. Last evaluated: 2024-01-15. Review status: criteria provided, single submitter. Criteria: Invitae Variant Classification Sherloc (09022015). Collection method: clinical testing. Allele origin: germline.
Comment: This sequence change replaces proline, which is neutral and non-polar, with serine, which is neutral and polar, at codon 4257 of the RYR1 protein (p.Pro4257Ser). The frequency data for this variant in the population databases is considered unreliable, as metrics indicate poor data quality at this position in the gnomAD database. This variant has not been reported in the literature in individuals affected with RYR1-related conditions. ClinVar contains an entry for this variant (Variation ID: 1361292). Advanced modeling of protein sequence and biophysical properties (such as structural, functional, and spatial information, amino acid conservation, physicochemical variation, residue mobility, and thermodynamic stability) performed at Invitae indicates that this missense variant is not expected to disrupt RYR1 protein function with a negative predictive value of 95%. In summary, the available evidence is currently insufficient to determine the role of this variant in disease. Therefore, it has been classified as a Variant of Uncertain Significance.

NM_000540.3(RYR1):c.12769C>T (p.Pro4257Ser)

Gene: RYR1 (ryanodine receptor 1; plus strand). Cytogenetic location: 19q13.2.
Variant type: single nucleotide variant.
Coding change: c.12769C>T on transcript NM_000540.3 (MANE Select); coding-DNA position 12769, C replaced by T.
Protein change: p.Pro4257Ser; replaces proline 4257 with serine.
Molecular consequence: missense variant.
Genome position (GRCh38, 1-based): chr19:38,565,103, C>T. VCF-style: chr19-38565103-C-T. GRCh37 (hg19) VCF-style: chr19-39055743-C-T.
Other names: c.12754C>T, p.Pro4252Ser (NM_001042723.2); short protein forms P4257S, P4252S.
Identifiers: ClinVar variation 1361292 (VCV001361292.8), dbSNP rs1205338973, ClinGen allele CA405671114.